The following is an entry in ClinVar:

ClinVar aggregate classification (germline): Pathogenic. Review status: criteria provided, multiple submitters, no conflicts (2 of 4 stars). 7 submissions from 7 submitters: Pathogenic (7). Last evaluated 2024-01-15.

Conditions:
Myopathy caused by variation in POMT1. Identifiers: MedGen CN305641, MONDO:0700070.
Muscular dystrophy-dystroglycanopathy (congenital with brain and eye anomalies), type A1 (MDDGA1). Also called: COD-MD SYNDROME; WALKER-WARBURG SYNDROME OR MUSCLE-EYE-BRAIN DISEASE, POMT1-RELATED; Hydrocephalus, agyria and retinal dysplasia; Hard +/- E syndrome; Warburg syndrome; Chemke syndrome. Identifiers: Orphanet 588, Orphanet 899, MedGen C4284790, MONDO:0009364, OMIM 236670.
Walker-Warburg congenital muscular dystrophy. Also called: Muscular dystrophy-dystroglycanopathy, type A; Walker-Warburg syndrome. Identifiers: Orphanet 899, MedGen C0265221, MONDO:0000171.
Muscular dystrophy-dystroglycanopathy (congenital with impaired intellectual development), type B, 1. Also called: Muscular dystrophy-dystroglycanopathy (congenital with intellectual disability), type B1; MUSCULAR DYSTROPHY, CONGENITAL, POMT1-RELATED. Identifiers: MedGen C5436962, MONDO:0013159, OMIM 613155.
Autosomal recessive limb-girdle muscular dystrophy type 2K. Also called: MUSCULAR DYSTROPHY, LIMB-GIRDLE, TYPE 2K; MUSCULAR DYSTROPHY-DYSTROGLYCANOPATHY (LIMB-GIRDLE), TYPE C, 1. Identifiers: Orphanet 86812, MedGen C1836373, MONDO:0012248, OMIM 609308.

Allele frequency attached by ClinVar (database versions not stated): TOPMed 0.00002.

Submissions (7):

Baylor Genetics
Classification: Pathogenic for Muscular dystrophy-dystroglycanopathy (congenital with brain and eye anomalies), type A1. Last evaluated: 2024-01-15. Review status: criteria provided, single submitter. Criteria: ACMG Guidelines, 2015. Collection method: clinical testing. Allele origin: unknown.

Labcorp Genetics (formerly Invitae), Labcorp
Classification: Pathogenic for Muscular dystrophy-dystroglycanopathy (congenital with impaired intellectual development), type B, 1; Walker-Warburg congenital muscular dystrophy; Autosomal recessive limb-girdle muscular dystrophy type 2K. Last evaluated: 2023-10-19. Review status: criteria provided, single submitter. Criteria: Invitae Variant Classification Sherloc (09022015). Collection method: clinical testing. Allele origin: germline.
Comment: This sequence change creates a premature translational stop signal (p.Arg265*) in the POMT1 gene. It is expected to result in an absent or disrupted protein product. Loss-of-function variants in POMT1 are known to be pathogenic (PMID: 12369018, 15637732, 16575835). This variant is present in population databases (rs398124247, gnomAD 0.002%). This premature translational stop signal has been observed in individual(s) with congenital muscular dystrophy (PMID: 22323514, 27066551). ClinVar contains an entry for this variant (Variation ID: 95468). For these reasons, this variant has been classified as Pathogenic.

GeneDx
Classification: Pathogenic. Last evaluated: 2023-03-28. Review status: criteria provided, single submitter. Criteria: GeneDx Variant Classification Process June 2021. Collection method: clinical testing. Allele origin: germline. Affected: yes.
Comment: Observed with a nonsense variant on the opposite allele (in trans) in a fetus with cobblestone lissencephaly, neural tube defect, and kidney and digestive malformations (Devisme et al., 2012); Not observed at significant frequency in large population cohorts (gnomAD); Nonsense variant predicted to result in protein truncation or nonsense mediated decay in a gene for which loss of function is a known mechanism of disease; This variant is associated with the following publications: (PMID: 27066551, 28182637, 34853893, 22323514, 35606784)

Illumina Laboratory Services, Illumina
Classification: Pathogenic for Myopathy caused by variation in POMT1. Last evaluated: 2023-02-14. Review status: criteria provided, single submitter. Criteria: ICSLVariantClassificationCriteria RUGD 01 April 2020. Collection method: clinical testing. Allele origin: unknown.
Comment: The POMT1 c.793C>T (p.Arg265Ter) nonsense variant results in the premature termination of the protein at amino acid position 265. Loss of normal protein function through either protein truncation or nonsense-mediated mRNA decay is expected. This variant has been reported in at least three individuals including in two individuals in whom the variant was found in a compound heterozygous state and in one individual in whom the variant was found in a homozygous state (PMID: 22323514; PMID: 27066551; PMID: 35606784). These individuals showed clinical features of congenital muscular dystrophy-dystroglycanopathy, severe bilateral ventriculomegaly, cerebral hypoplasia, respiratory distress, microphthalmia, macrocephaly, holoprosencephaly, and anorectal malformation. This variant is reported in the Genome Aggregation Database in two alleles total at a frequency of 0.000018 in the European Non-Finnish population (version 2.1.1). Based on the available evidence, the c.793C>T (p.Arg265Ter) variant is classified as pathogenic for POMT1-related myopathies.

Dubai Health Genomic Medicine Center, Dubai Health
Classification: Pathogenic. Last evaluated: 2022-12-17. Review status: criteria provided, single submitter. Criteria: ACMG Guidelines, 2015. Collection method: clinical testing. Allele origin: germline. Affected: yes.

Revvity Omics, Revvity
Classification: Pathogenic. Last evaluated: 2022-08-30. Review status: criteria provided, single submitter. Criteria: ACMG Guidelines, 2015. Collection method: clinical testing. Allele origin: germline.

Eurofins Ntd Llc (ga)
Classification: Pathogenic. Last evaluated: 2013-08-02. Review status: criteria provided, single submitter. Criteria: EGL Classification Definitions. Collection method: clinical testing. Allele origin: germline. Observed: 1 variant allele, 1 heterozygote.

Literature cited by the submitters: PubMed 12369018 (cited by Labcorp Genetics (formerly Invitae), Labcorp); PubMed 15637732 (cited by Labcorp Genetics (formerly Invitae), Labcorp); PubMed 16575835 (cited by Labcorp Genetics (formerly Invitae), Labcorp); PubMed 22323514 (cited by Labcorp Genetics (formerly Invitae), Labcorp and Illumina Laboratory Services, Illumina); PubMed 27066551 (cited by Labcorp Genetics (formerly Invitae), Labcorp and Illumina Laboratory Services, Illumina); PubMed 35606784 (cited by Illumina Laboratory Services, Illumina).

NM_001077365.2(POMT1):c.727C>T (p.Arg243Ter)

Gene: POMT1 (protein O-mannosyltransferase 1; plus strand). Cytogenetic location: 9q34.13.
Variant type: single nucleotide variant.
Coding change: c.727C>T on transcript NM_001077365.2 (MANE Select); coding-DNA position 727, C replaced by T.
Protein change: p.Arg243Ter; replaces arginine 243 with a stop codon.
Molecular consequence: nonsense. On other transcripts: non-coding transcript variant (10), missense variant (1).
Genome position (GRCh38, 1-based): chr9:131,510,287, C>T. VCF-style: chr9-131510287-C-T. GRCh37 (hg19) VCF-style: chr9-134385674-C-T.
Other names: c.565C>T, p.Arg189Ter (NM_001077366.2, NM_001353194.2, NM_001374693.1); c.727C>T, p.Arg243Ter (NM_001136113.2, NM_001374690.1); c.376C>T, p.Arg126Ter (NM_001136114.2, NM_001353195.2, NM_001374691.1 and 1 more transcripts); c.793C>T, p.Arg265Ter (NM_001353193.2, NM_007171.4); c.637C>T, p.Arg213Ter (NM_001353196.2); c.631C>T, p.Arg211Ter (NM_001353197.2, NM_001353198.2); c.442C>T, p.Arg148Ter (NM_001353199.2); c.271C>T, p.Arg91Ter (NM_001353200.2); and 2 more; short protein forms R265*, R148*, R211*, R213*, R91*, R126*, R189*, R243*.
Identifiers: ClinVar variation 95468 (VCV000095468.20), dbSNP rs398124247, ClinGen allele CA223003.